The following is an entry in ClinVar:

ClinVar aggregate classification (germline): Uncertain significance (1 of 4 stars; one submission).

Conditions:
Progressive myoclonic epilepsy. Also called: Myoclonic Epilepsies, Progressive; Familial progressive myoclonic epilepsy; Myoclonus epilepsy; Progressive myoclonus epilepsy. Identifiers: Orphanet 308, Orphanet 98261, MedGen C0751778, MONDO:0020074.

gnomAD v4.1: 11 of 1,196,816 alleles (0.00092%); highest among the groups gnomAD compares: Non-Finnish European, 0.0011%; no homozygotes.

Submission:

Labcorp Genetics (formerly Invitae), Labcorp
Classification: Uncertain significance for Progressive myoclonic epilepsy. Last evaluated: 2022-03-19. Review status: criteria provided, single submitter. Criteria: Invitae Variant Classification Sherloc (09022015). Collection method: clinical testing. Allele origin: germline.
Comment: This variant has not been reported in the literature in individuals affected with EPM2A-related conditions. In summary, the available evidence is currently insufficient to determine the role of this variant in disease. Therefore, it has been classified as a Variant of Uncertain Significance. Algorithms developed to predict the effect of missense changes on protein structure and function are either unavailable or do not agree on the potential impact of this missense change (SIFT: "Deleterious"; PolyPhen-2: "Not Available"; Align-GVGD: "Class C0"). ClinVar contains an entry for this variant (Variation ID: 951749). This variant is not present in population databases (gnomAD no frequency). This sequence change replaces glycine, which is neutral and non-polar, with arginine, which is basic and polar, at codon 6 of the EPM2A protein (p.Gly6Arg).

NM_005670.4(EPM2A):c.16G>C (p.Gly6Arg)

Genes: EPM2A (EPM2A glucan phosphatase, laforin; minus strand), EPM2A-DT (EPM2A divergent transcript; plus strand), LOC129997381 (ATAC-STARR-seq lymphoblastoid silent region 17642; plus strand). Cytogenetic location: 6q24.3.
Variant type: single nucleotide variant.
Coding change: c.16G>C on transcript NM_005670.4 (MANE Select); coding-DNA position 16, G replaced by C.
Protein change: p.Gly6Arg; replaces glycine 6 with arginine.
Molecular consequence: missense variant. On other transcripts: 5 prime UTR variant (3), intron variant (1).
Genome position (GRCh38, 1-based): chr6:145,735,483, C>G on the plus strand (G>C on the coding strand, the complement: EPM2A is on the minus strand). VCF-style: chr6-145735483-C-G. GRCh37 (hg19) VCF-style: chr6-146056619-C-G.
Other names: c.16G>C, p.Gly6Arg (NM_001018041.2, NM_001360057.2, NM_001368130.1); c.-654G>C (NM_001360071.2); c.-608G>C (NM_001368129.2); c.-352G>C (NM_001368131.1); c.-114+425G>C (NM_001360064.2); short protein forms G6R.
Identifiers: ClinVar variation 951749 (VCV000951749.8), dbSNP rs1776824378, ClinGen allele CA366188726.